The following is an entry in ClinVar:

NM_198253.3(TERT):c.687C>A (p.Ser229Arg)

Gene: TERT (telomerase reverse transcriptase; minus strand). Cytogenetic location: 5p15.33.
Variant type: single nucleotide variant.
Coding change: c.687C>A on transcript NM_198253.3 (MANE Select); coding-DNA position 687, C replaced by A.
Protein change: p.Ser229Arg; replaces serine 229 with arginine.
Molecular consequence: missense variant. On other transcripts: non-coding transcript variant (2).
Genome position (GRCh38, 1-based): chr5:1,294,199, G>T on the plus strand (C>A on the coding strand, the complement: TERT is on the minus strand). VCF-style: chr5-1294199-G-T. GRCh37 (hg19) VCF-style: chr5-1294314-G-T.
Other names: c.687C>A, p.Ser229Arg (NM_001193376.3); short protein forms S229R.
Identifiers: ClinVar variation 3805793 (VCV003805793.1).
Genomic context (GRCh38, chr5:1,294,199, plus strand): 5'-CGTCCGCTCCGGCTCAGGGGCAGCGCCACGCCTGGGCCTCTTGGGCAACGGCAGACTTCG[G>T]CTGGCACTGCCCCCGCGCCTCCTCGCACCCGGGGCTGGCAGGCCCAGGGGGACCCCGGCC-3'
Protein context (NP_937983.2, residues 219-239): PGARRRGGSA[Ser229Arg]RSLPLPKRPR

ClinVar aggregate classification (germline): Uncertain significance (1 of 4 stars; one submission).

Conditions:
Dyskeratosis congenita. Identifiers: Orphanet 1775, MedGen C0265965, MONDO:0015780.

Submission:

Ambry Genetics
Classification: Uncertain significance for Dyskeratosis congenita. Last evaluated: 2025-03-07. Review status: criteria provided, single submitter. Criteria: Ambry Variant Classification Scheme 2023. Collection method: clinical testing. Allele origin: germline.
Comment: The p.S229R variant (also known as c.687C>A), located in coding exon 2 of the TERT gene, results from a C to A substitution at nucleotide position 687. The serine at codon 229 is replaced by arginine, an amino acid with dissimilar properties. This amino acid position is poorly conserved in available vertebrate species. In addition, this alteration is predicted to be tolerated by in silico analysis. Based on the available evidence, the clinical significance of this variant remains unclear.